The following is an entry in ClinVar:

ClinVar aggregate classification (germline): Pathogenic (1 of 4 stars; one submission).

gnomAD v4.1: 5 of 1,613,160 alleles (0.00031%); highest among the groups gnomAD compares: South Asian, 0.0033%; no homozygotes.

Submission:

Labcorp Genetics (formerly Invitae), Labcorp
Classification: Pathogenic. Last evaluated: 2025-04-11. Review status: criteria provided, single submitter. Criteria: Invitae Variant Classification Sherloc (09022015). Collection method: clinical testing. Allele origin: germline.
Comment: This sequence change replaces glycine, which is neutral and non-polar, with arginine, which is basic and polar, at codon 674 of the WFS1 protein (p.Gly674Arg). This variant is present in population databases (rs200672755, gnomAD 0.006%). This missense change has been observed in individuals with autosomal recessive Wolfram syndrome (PMID: 22238590, 25211237, 31391115). It has also been observed to segregate with disease in related individuals. Invitae Evidence Modeling of protein sequence and biophysical properties (such as structural, functional, and spatial information, amino acid conservation, physicochemical variation, residue mobility, and thermodynamic stability) indicates that this missense variant is expected to disrupt WFS1 protein function with a positive predictive value of 95%. For these reasons, this variant has been classified as Pathogenic.

Literature cited by the submitters: PubMed 22238590; PubMed 25211237; PubMed 31391115.

NM_006005.3(WFS1):c.2020G>C (p.Gly674Arg)

Gene: WFS1 (wolframin ER transmembrane glycoprotein; plus strand). Cytogenetic location: 4p16.1.
Variant type: single nucleotide variant.
Coding change: c.2020G>C on transcript NM_006005.3 (MANE Select); coding-DNA position 2020, G replaced by C.
Protein change: p.Gly674Arg; replaces glycine 674 with arginine.
Molecular consequence: missense variant.
Genome position (GRCh38, 1-based): chr4:6,301,815, G>C. VCF-style: chr4-6301815-G-C. GRCh37 (hg19) VCF-style: chr4-6303542-G-C.
Other names: c.2020G>C, p.Gly674Arg (NM_001145853.1); short protein forms G674R.
Identifiers: ClinVar variation 4806428 (VCV004806428.1).
Genomic context (GRCh38, chr4:6,301,815, plus strand): 5'-TCAGAGGGCATGAAGGTCTACAACTCCACACTGACCTGGCAGCAGTATGGTGCGCTGTGC[G>C]GGCCACGCGCCTGGAAGGAGACCAACATGGCGCGCACCCAGATCCTCTGCAGCCACCTGG-3'
Protein context (NP_005996.2, residues 664-684): LTWQQYGALC[Gly674Arg]PRAWKETNMA